The following is an entry in ClinVar:

ClinVar aggregate classification (germline): Uncertain significance (1 of 4 stars; one submission).

Conditions:
Stormorken syndrome (STRMK). Also called: THROMBOCYTOPATHY, ASPLENIA, AND MIOSIS. Identifiers: Orphanet 3204, MedGen C1861451, MONDO:0008497, OMIM 185070.
Combined immunodeficiency due to STIM1 deficiency. Also called: IMMUNODEFICIENCY 10; STIM1 DEFICIENCY. Identifiers: Orphanet 169090, Orphanet 317430, MedGen C2748557, MONDO:0013008, OMIM 612783.
Myopathy with tubular aggregates (TAM). Also called: Tubular Aggregate Myopathy. Identifiers: Orphanet 2593, MedGen C0410207, MONDO:0008051.

Allele frequency attached by ClinVar (database versions not stated): gnomAD 0.00003.
gnomAD v4.1: 15 of 1,613,892 alleles (0.00093%); highest among the groups gnomAD compares: South Asian, 0.0044%; no homozygotes.

Submission:

Labcorp Genetics (formerly Invitae), Labcorp
Classification: Uncertain significance for Myopathy with tubular aggregates; Combined immunodeficiency due to STIM1 deficiency; Stormorken syndrome. Last evaluated: 2025-09-24. Review status: criteria provided, single submitter. Criteria: Invitae Variant Classification Sherloc (09022015). Collection method: clinical testing. Allele origin: germline.
Comment: This sequence change replaces arginine, which is basic and polar, with glutamine, which is neutral and polar, at codon 325 of the STIM1 protein (p.Arg325Gln). This variant is present in population databases (rs746960459, gnomAD 0.007%). This variant has not been reported in the literature in individuals affected with STIM1-related conditions. ClinVar contains an entry for this variant (Variation ID: 2048761). Invitae Evidence Modeling of protein sequence and biophysical properties (such as structural, functional, and spatial information, amino acid conservation, physicochemical variation, residue mobility, and thermodynamic stability) has been performed for this missense variant. However, the output from this modeling did not meet the statistical confidence thresholds required to predict the impact of this variant on STIM1 protein function. In summary, the available evidence is currently insufficient to determine the role of this variant in disease. Therefore, it has been classified as a Variant of Uncertain Significance.

NM_001382567.1(STIM1):c.974G>A (p.Arg325Gln)

Gene: STIM1 (stromal interaction molecule 1; plus strand). Cytogenetic location: 11p15.4.
Variant type: single nucleotide variant.
Coding change: c.974G>A on transcript NM_001382567.1 (MANE Select); coding-DNA position 974, G replaced by A.
Protein change: p.Arg325Gln; replaces arginine 325 with glutamine.
Molecular consequence: missense variant. On other transcripts: non-coding transcript variant (2).
Genome position (GRCh38, 1-based): chr11:4,082,188, G>A. VCF-style: chr11-4082188-G-A. GRCh37 (hg19) VCF-style: chr11-4103418-G-A.
Other names: c.974G>A, p.Arg325Gln (NM_001277961.3, NM_001277962.2, NM_001382568.1 and 1 more transcripts); c.752G>A, p.Arg251Gln (NM_001382566.1, NM_001382573.1, NM_001382575.1 and 4 more transcripts); c.839G>A, p.Arg280Gln (NM_001382569.1); c.746G>A, p.Arg249Gln (NM_001382570.1); c.494G>A, p.Arg165Gln (NM_001382571.1); c.485G>A, p.Arg162Gln (NM_001382580.1, NM_001382581.1); short protein forms R165Q, R249Q, R280Q, R325Q, R162Q, R251Q.
Identifiers: ClinVar variation 2048761 (VCV002048761.4), dbSNP rs746960459, ClinGen allele CA5830374.